The following is an entry in ClinVar:

NM_182931.3(KMT2E):c.4656_4661del (p.Ser1554_Ser1555del)

Gene: KMT2E (lysine methyltransferase 2E (inactive); plus strand). Cytogenetic location: 7q22.3.
Variant type: Deletion.
Coding change: c.4656_4661del on transcript NM_182931.3 (MANE Select); coding-DNA positions 4656 to 4661, 6 bases deleted (TTCTTC; older notation c.4656_4661delTTCTTC).
Protein change: p.Ser1554_Ser1555del.
Molecular consequence: inframe deletion.
Genome position (GRCh38, 1-based): chr7:105,112,412-105,112,417, TTCTTC deleted; deleting any 6 consecutive bases within chr7:105,112,411-105,112,417 gives the same sequence; the c. name uses the placement nearest the transcript's 3' end. VCF-style (leftmost placement, unchanged base first): chr7-105112410-CCTTCTT-C. GRCh37 (hg19) VCF-style: chr7-104752857-CCTTCTT-C.
Other names: c.4530_4535del, p.Ser1512_Ser1513del (NM_001410908.1); c.4656_4661del, p.Ser1554_Ser1555del (NM_018682.4).
Identifiers: ClinVar variation 2631705 (VCV002631705.1), dbSNP rs748335836, ClinGen allele CA577197532.

ClinVar aggregate classification (germline): Uncertain significance (1 of 4 stars; one submission).

Conditions:
KMT2E-related disorder. Also called: KMT2E-related condition.

Submission:

PreventionGenetics, part of Exact Sciences
Classification: Uncertain significance for KMT2E-related condition. Last evaluated: 2023-07-20. Review status: criteria provided, single submitter. Criteria: ACMG Guidelines, 2015. Collection method: clinical testing. Allele origin: germline.
Comment: The KMT2E c.4656_4661del6 variant is predicted to result in an in-frame deletion (p.Ser1554_Ser1555del). To our knowledge, this variant has not been reported in the literature. This variant is reported in 0.0033% of alleles in individuals of South Asian descent in gnomAD. At this time, the clinical significance of this variant is uncertain due to the absence of conclusive functional and genetic evidence.